The following is an entry in ClinVar:

NM_006929.5(SKIC2):c.2009del (p.Asn670fs)

Gene: SKIC2 (SKI2 subunit of superkiller complex; plus strand). Cytogenetic location: 6p21.33.
Variant type: Deletion.
Coding change: c.2009del on transcript NM_006929.5 (MANE Select); coding-DNA position 2009, one base deleted (A; older notation c.2009delA).
Protein change: p.Asn670fs; shifts the reading frame from asparagine 670.
Molecular consequence: frameshift variant.
Genome position (GRCh38, 1-based): chr6:31,965,820, A deleted; the last of 3 consecutive A bases (chr6:31,965,818-31,965,820); deleting any one gives the same sequence. VCF-style (leftmost placement, unchanged base first): chr6-31965817-TA-T. GRCh37 (hg19) VCF-style: chr6-31933594-TA-T.
Other names: short protein forms N670fs.
Identifiers: ClinVar variation 2695859 (VCV002695859.3), dbSNP rs2482962245, ClinGen allele CA2697546685.
Genomic context (GRCh38, chr6:31,965,817, plus strand): 5'-ATCCTTTCTGTTCTCCTCTGTCCCAGGTCTTGTTTGCCACAGAGACCTTTGCCATGGGAG[TA>T]AACATGCCTGCTCGTACAGTAGTGTTTGACTCCATGCGCAAACACGATGGCTCCACCTTC-3'

ClinVar aggregate classification (germline): Pathogenic (1 of 4 stars; one submission).

Submission:

Labcorp Genetics (formerly Invitae), Labcorp
Classification: Pathogenic. Last evaluated: 2023-11-14. Review status: criteria provided, single submitter. Criteria: Invitae Variant Classification Sherloc (09022015). Collection method: clinical testing. Allele origin: germline.
Comment: This sequence change creates a premature translational stop signal (p.Asn670Thrfs*7) in the SKIV2L gene. It is expected to result in an absent or disrupted protein product. Loss-of-function variants in SKIV2L are known to be pathogenic (PMID: 22444670). This variant is not present in population databases (gnomAD no frequency). This variant has not been reported in the literature in individuals affected with SKIV2L-related conditions. For these reasons, this variant has been classified as Pathogenic.

Literature cited by the submitters: PubMed 22444670.